The following is an entry in ClinVar:

ClinVar aggregate classification (germline): Uncertain significance (1 of 4 stars; one submission).

gnomAD v4.1: 4 of 1,599,598 alleles (0.00025%); highest among the groups gnomAD compares: Non-Finnish European, 0.00034%; no homozygotes.

Submission:

Labcorp Genetics (formerly Invitae), Labcorp
Classification: Uncertain significance. Last evaluated: 2025-01-28. Review status: criteria provided, single submitter. Criteria: Invitae Variant Classification Sherloc (09022015). Collection method: clinical testing. Allele origin: germline.
Comment: This sequence change replaces alanine, which is neutral and non-polar, with glycine, which is neutral and non-polar, at codon 160 of the RPSA protein (p.Ala160Gly). This variant is not present in population databases (gnomAD no frequency). This variant has not been reported in the literature in individuals affected with RPSA-related conditions. Invitae Evidence Modeling of protein sequence and biophysical properties (such as structural, functional, and spatial information, amino acid conservation, physicochemical variation, residue mobility, and thermodynamic stability) indicates that this missense variant is not expected to disrupt RPSA protein function with a negative predictive value of 80%. In summary, the available evidence is currently insufficient to determine the role of this variant in disease. Therefore, it has been classified as a Variant of Uncertain Significance.

NM_002295.6(RPSA):c.479C>G (p.Ala160Gly)

Gene: RPSA (ribosomal protein SA; plus strand). Cytogenetic location: 3p22.1.
Variant type: single nucleotide variant.
Coding change: c.479C>G on transcript NM_002295.6 (MANE Select); coding-DNA position 479, C replaced by G.
Protein change: p.Ala160Gly; replaces alanine 160 with glycine.
Molecular consequence: missense variant.
Genome position (GRCh38, 1-based): chr3:39,410,980, C>G. VCF-style: chr3-39410980-C-G. GRCh37 (hg19) VCF-style: chr3-39452471-C-G.
Other names: c.494C>G, p.Ala165Gly (NM_001304288.2); short protein forms A160G, A165G.
Identifiers: ClinVar variation 3697914 (VCV003697914.2).